The following is an entry in ClinVar:

ClinVar aggregate classification (germline): Uncertain significance (1 of 4 stars; one submission).

Submission:

GeneDx
Classification: Uncertain significance. Last evaluated: 2025-04-22. Review status: criteria provided, single submitter. Criteria: GeneDx Variant Classification Process June 2021. Collection method: clinical testing. Allele origin: germline. Affected: yes.
Comment: Not observed at significant frequency in large population cohorts (gnomAD); In silico analysis supports that this missense variant has a deleterious effect on protein structure/function; Has not been previously published as pathogenic or benign to our knowledge

NM_001009944.3(PKD1):c.8060C>G (p.Thr2687Arg)

Gene: PKD1 (polycystin 1, transient receptor potential channel interacting; minus strand). Cytogenetic location: 16p13.3.
Variant type: single nucleotide variant.
Coding change: c.8060C>G on transcript NM_001009944.3 (MANE Select); coding-DNA position 8060, C replaced by G.
Protein change: p.Thr2687Arg; replaces threonine 2687 with arginine.
Molecular consequence: missense variant.
Genome position (GRCh38, 1-based): chr16:2,104,599, G>C on the plus strand (C>G on the coding strand, the complement: PKD1 is on the minus strand). VCF-style: chr16-2104599-G-C. GRCh37 (hg19) VCF-style: chr16-2154600-G-C.
Other names: c.8060C>G, p.Thr2687Arg (NM_000296.4); short protein forms T2687R.
Identifiers: ClinVar variation 4527163 (VCV004527163.1).